The following is an entry in ClinVar:

ClinVar aggregate classification (germline): Uncertain significance. Review status: criteria provided, multiple submitters, no conflicts (2 of 4 stars). 2 submissions from 2 submitters: Uncertain significance (2). Last evaluated 2024-06-24.

Conditions:
Cohen syndrome (COH1). Also called: Cutis verticis gyrata, retinitis pigmentosa, and sensorineural deafness; PEPPER SYNDROME. Identifiers: Orphanet 193, MedGen C0265223, MONDO:0008999, OMIM 216550.

Submissions (2):

Labcorp Genetics (formerly Invitae), Labcorp
Classification: Uncertain significance for Cohen syndrome. Last evaluated: 2024-06-24. Review status: criteria provided, single submitter. Criteria: Invitae Variant Classification Sherloc (09022015). Collection method: clinical testing. Allele origin: germline.
Comment: This sequence change replaces asparagine, which is neutral and polar, with aspartic acid, which is acidic and polar, at codon 2817 of the VPS13B protein (p.Asn2817Asp). This variant is not present in population databases (gnomAD no frequency). This variant has not been reported in the literature in individuals affected with VPS13B-related conditions. Advanced modeling of protein sequence and biophysical properties (such as structural, functional, and spatial information, amino acid conservation, physicochemical variation, residue mobility, and thermodynamic stability) performed at Invitae indicates that this missense variant is not expected to disrupt VPS13B protein function with a negative predictive value of 80%. In summary, the available evidence is currently insufficient to determine the role of this variant in disease. Therefore, it has been classified as a Variant of Uncertain Significance.

Blueprint Genetics
Classification: Uncertain significance. Last evaluated: 2019-05-09. Review status: criteria provided, single submitter. Criteria: ACMG Guidelines, 2015. Collection method: clinical testing. Allele origin: germline.

NM_152564.5(VPS13B):c.8374A>G (p.Asn2792Asp)

Gene: VPS13B (vacuolar protein sorting 13 homolog B; plus strand). Cytogenetic location: 8q22.2.
Variant type: single nucleotide variant.
Coding change: c.8374A>G on transcript NM_152564.5 (MANE Select); coding-DNA position 8374, A replaced by G.
Protein change: p.Asn2792Asp; replaces asparagine 2792 with aspartic acid.
Molecular consequence: missense variant.
Genome position (GRCh38, 1-based): chr8:99,818,463, A>G. VCF-style: chr8-99818463-A-G. GRCh37 (hg19) VCF-style: chr8-100830691-A-G.
Other names: c.8449A>G, p.Asn2817Asp (NM_017890.5); short protein forms N2792D, N2817D.
Identifiers: ClinVar variation 3615860 (VCV003615860.2).
Genomic context (GRCh38, chr8:99,818,463, plus strand): 5'-AGTAAACTGCTTAGTATTCAATAGGACCCTTTGCTATTTCATGTGCAGGTGCCATCTTCA[A>G]ACAGTTCCATTATTTATGTCTGGTGCACAGTTTTGACTTTAGAACCCAACTCTCAAGTGC-3'
Protein context (NP_689777.3, residues 2782-2802): YSIVIQVPSS[Asn2792Asp]SSIIYVWCTV